The following is an entry in ClinVar:

NM_000051.4(ATM):c.6573-5T>C

Genes: ATM (ATM serine/threonine kinase; plus strand), C11orf65 (chromosome 11 open reading frame 65; minus strand). Cytogenetic location: 11q22.3.
Variant type: single nucleotide variant.
Coding change: c.6573-5T>C on transcript NM_000051.4 (MANE Select); 5 bases into the intron before coding-DNA position 6573, T replaced by C.
Molecular consequence: intron variant.
Genome position (GRCh38, 1-based): chr11:108,325,305, T>C. VCF-style: chr11-108325305-T-C. GRCh37 (hg19) VCF-style: chr11-108196032-T-C.
Other names: c.6573-5T>C (NM_001351834.2); c.641-16234A>G (NM_001330368.2); c.*38+9915A>G (NM_001351110.2).
Identifiers: ClinVar variation 2035746 (VCV002035746.6), dbSNP rs765604322, ClinGen allele CA6265986.

ClinVar aggregate classification (germline): Conflicting classifications of pathogenicity. Review status: criteria provided, conflicting classifications (1 of 4 stars). 3 submissions from 3 submitters: Uncertain significance (1); Likely benign (2). Last evaluated 2024-12-03.

Conditions:
Familial cancer of breast. Also called: BREAST CANCER, FAMILIAL; Hereditary breast cancer; hereditary breast carcinoma. Identifiers: Orphanet 227535, MedGen C0346153, MONDO:0016419, OMIM 114480. Disease mechanism: loss of function.
Hereditary cancer-predisposing syndrome. Also called: Tumor predisposition; Hereditary Cancer Syndrome; Hereditary neoplastic syndrome; Neoplastic Syndromes, Hereditary. Identifiers: Orphanet 140162, MedGen C0027672, MeSH D009386, MONDO:0015356.
Ataxia-telangiectasia syndrome (AT). Also called: Ataxia-telangiectasia, complementation group D; AT, COMPLEMENTATION GROUP C; ATAXIA-TELANGIECTASIA, COMPLEMENTATION GROUP A; ATAXIA-TELANGIECTASIA, FRESNO VARIANT; Ataxia-telangiectasia, complementation group E; LOUIS-BAR SYNDROME. Identifiers: Orphanet 100, MedGen C0004135, MONDO:0008840, OMIM 208900.

Allele frequency attached by ClinVar (database versions not stated): TOPMed below 0.00001; ExAC 0.00001.

Submissions (3):

Labcorp Genetics (formerly Invitae), Labcorp
Classification: Likely benign for Ataxia-telangiectasia syndrome. Last evaluated: 2024-12-03. Review status: criteria provided, single submitter. Criteria: Invitae Variant Classification Sherloc (09022015). Collection method: clinical testing. Allele origin: germline.

Myriad Genetics, Inc.
Classification: Likely benign for Familial cancer of breast. Last evaluated: 2024-06-07. Review status: criteria provided, single submitter. Criteria: Myriad Autosomal Dominant, Autosomal Recessive and X-Linked Classification Criteria (2023). Collection method: clinical testing. Allele origin: unknown.
Comment: This variant is considered likely benign. This variant is intronic and is not expected to impact mRNA splicing.

Ambry Genetics
Classification: Uncertain significance for Hereditary cancer-predisposing syndrome. Last evaluated: 2023-09-15. Review status: criteria provided, single submitter. Criteria: Ambry Variant Classification Scheme 2023. Collection method: clinical testing. Allele origin: germline.
Comment: The c.6573-5T>C intronic variant results from a T to C substitution 5 nucleotides upstream from coding exon 45 in the ATM gene. This nucleotide position is well conserved in available vertebrate species. In silico splice site analysis predicts that this alteration will not have any significant effect on splicing. Since supporting evidence is limited at this time, the clinical significance of this alteration remains unclear.